The following is an entry in ClinVar:

ClinVar aggregate classification (germline): Benign (0 of 4 stars; one submission).

Conditions:
HAVCR1-related disorder. Also called: HAVCR1-related condition.

Allele frequency attached by ClinVar (database versions not stated): ESP Exome Variant Server 0.85200; gnomAD exomes 0.85697; gnomAD 0.86475; TOPMed 0.86956; ExAC 0.88458; 1000 Genomes Project 30x 0.90725; 1000 Genomes Project 0.90915.
gnomAD v4.1: 1,382,300 of 1,610,852 alleles (86%); highest among the groups gnomAD compares: East Asian, 98%; 594,593 homozygotes.

Submission:

PreventionGenetics, part of Exact Sciences
Classification: Benign for HAVCR1-related condition. Last evaluated: 2019-10-17. Review status: no assertion criteria provided. Collection method: clinical testing. Allele origin: germline.
Comment: This variant is classified as benign based on ACMG/AMP sequence variant interpretation guidelines (Richards et al. 2015 PMID: 25741868, with internal and published modifications).

NM_001173393.3(HAVCR1):c.132C>A (p.Ser44=)

Gene: HAVCR1 (hepatitis A virus cellular receptor 1; minus strand). Cytogenetic location: 5q33.3.
Variant type: single nucleotide variant.
Coding change: c.132C>A on transcript NM_001173393.3 (MANE Select); coding-DNA position 132, C replaced by A.
Protein change: p.Ser44=; no amino-acid change (serine 44 retained).
Molecular consequence: synonymous variant.
Genome position (GRCh38, 1-based): chr5:157,055,448, G>T on the plus strand (C>A on the coding strand, the complement: HAVCR1 is on the minus strand). VCF-style: chr5-157055448-G-T. GRCh37 (hg19) VCF-style: chr5-156482459-G-T.
Other names: c.132C>A, p.Ser44= (NM_001308156.2, NM_012206.3).
Identifiers: ClinVar variation 3059705 (VCV003059705.2), dbSNP rs1809941, ClinGen allele CA3531691.